The following is an entry in ClinVar:

ClinVar aggregate classification (germline): Pathogenic (1 of 4 stars; one submission).

Conditions:
Ehlers-Danlos syndrome due to tenascin-X deficiency (EDSCLL1). Also called: EHLERS-DANLOS SYNDROME, CLASSIC-LIKE; Ehlers-Danlos syndrome, classic-like, 1; EDS DUE TO TNX DEFICIENCY; TNX DEFICIENCY; TNXB-Related Classical-Like Ehlers-Danlos Syndrome. Identifiers: Orphanet 230839, MedGen C1848029, MONDO:0011670, OMIM 606408.

Submission:

Myriad Genetics, Inc.
Classification: Pathogenic for Ehlers-Danlos syndrome due to tenascin-X deficiency. Last evaluated: 2026-03-20. Review status: criteria provided, single submitter. Criteria: Myriad Autosomal Dominant, Autosomal Recessive and X-Linked Classification Criteria (2023). Collection method: clinical testing. Allele origin: unknown.
Comment: NM_019105.6(TNXB):c.984_985delTG(C328*) is a frameshift variant classified as pathogenic in the context of classical-like Ehlers-Danlos syndrome, TNXB-related. C328* has not been observed in cases with relevant disease. Relevant functional assessments of this variant are not available in the literature. C328* has not been observed in referenced population frequency databases. In summary, NM_019105.6(TNXB):c.984_985delTG(C328*) is a frameshift variant in a gene where loss of function is a known mechanism of disease and is predicted to disrupt protein function. Please note: this variant was assessed in the context of healthy population screening.

NM_001365276.2(TNXB):c.984_985del (p.Cys328_Asp329delinsTer)

Gene: TNXB (tenascin XB; minus strand). Cytogenetic location: 6p21.33.
Variant type: Microsatellite.
Coding change: c.984_985del on transcript NM_001365276.2 (MANE Select); coding-DNA positions 984 to 985, 2 bases deleted (TG; older notation c.984_985delTG).
Protein change: p.Cys328_Asp329delinsTer.
Molecular consequence: nonsense.
Genome position (GRCh38, 1-based): chr6:32,096,868-32,096,869, CA deleted on the plus strand (TG on the coding strand, the reverse complement: TNXB is on the minus strand); deleting any 2 consecutive bases within chr6:32,096,868-32,096,874 gives the same sequence; the c. name uses the placement nearest the transcript's 3' end. VCF-style (leftmost placement, unchanged base first): chr6-32096867-TCA-T. GRCh37 (hg19) VCF-style: chr6-32064644-TCA-T.
Other names: c.984_985del, p.Cys328_Asp329delinsTer (NM_001428335.1, NM_019105.8).
Identifiers: ClinVar variation 5004543 (VCV005004543.1).
Genomic context (GRCh38, chr6:32,096,867, plus strand): 5'-CCCTCGCCACAGTCCCAGGGGCAGCTCCGCGTACCACAGTCCTCGCCAGTGTAGCCGGGG[TCA>T]CACACGCAGCGCCCGTCCTTGCAGCGTCCCCGCTGGCTGCAGCCCCGAGGGCAGCTCCTC-3'